The following is an entry in ClinVar:

ClinVar aggregate classification (germline): Benign/Likely benign. Review status: criteria provided, multiple submitters, no conflicts (2 of 4 stars). 4 submissions from 4 submitters: Benign (1); Likely benign (2). 1 of the submissions does not count toward it. Last evaluated 2025-10-28.

Conditions:
Inborn genetic diseases. Identifiers: MedGen C0950123, MeSH D030342.
FAT1-related disorder. Also called: FAT1-related condition.

Allele frequency attached by ClinVar (database versions not stated): gnomAD 0.00001 and 0.00010; TOPMed 0.00003; 1000 Genomes Project 0.00020; 1000 Genomes Project 30x 0.00031.
gnomAD v4.1: 346 of 1,610,374 alleles (0.021%); highest among the groups gnomAD compares: South Asian, 0.36%; 8 homozygotes.

Submissions (4):

Labcorp Genetics (formerly Invitae), Labcorp
Classification: Benign. Last evaluated: 2025-10-28. Review status: criteria provided, single submitter. Criteria: Invitae Variant Classification Sherloc (09022015). Collection method: clinical testing. Allele origin: germline.

Mayo Clinic Laboratories, Mayo Clinic
Classification: Likely benign. Last evaluated: 2025-03-12. Review status: criteria provided, single submitter. Criteria: ACMG Guidelines, 2015. Collection method: clinical testing. Allele origin: germline. Observed: 1 variant allele.
Comment: BS1, BP4_moderate

Ambry Genetics
Classification: Likely benign for Inborn genetic diseases. Last evaluated: 2025-01-17. Review status: criteria provided, single submitter. Criteria: Ambry Variant Classification Scheme 2023. Collection method: clinical testing. Allele origin: germline.

PreventionGenetics, part of Exact Sciences
Classification: Likely benign for FAT1-related condition. Last evaluated: 2020-01-10. Review status: no assertion criteria provided. Collection method: clinical testing. Allele origin: germline. Not counted in ClinVar's aggregate classification.
Comment: This variant is classified as likely benign based on ACMG/AMP sequence variant interpretation guidelines (Richards et al. 2015 PMID: 25741868, with internal and published modifications).

NM_005245.4(FAT1):c.12909C>T (p.Ser4303=)

Gene: FAT1 (FAT atypical cadherin 1; minus strand). Cytogenetic location: 4q35.2.
Variant type: single nucleotide variant.
Coding change: c.12909C>T on transcript NM_005245.4 (MANE Select); coding-DNA position 12909, C replaced by T.
Protein change: p.Ser4303=; no amino-acid change (serine 4303 retained).
Molecular consequence: synonymous variant.
Genome position (GRCh38, 1-based): chr4:186,596,631, G>A on the plus strand (C>T on the coding strand, the complement: FAT1 is on the minus strand). VCF-style: chr4-186596631-G-A. GRCh37 (hg19) VCF-style: chr4-187517785-G-A.
Other names: p.Ser4303=.
Identifiers: ClinVar variation 741907 (VCV000741907.10), dbSNP rs554536909, ClinGen allele CA3164722.